The following is an entry in ClinVar:

ClinVar aggregate classification (germline): Pathogenic (1 of 4 stars; one submission).

Conditions:
Kabuki syndrome 1 (KABUK1). Also called: KMT2D-Related Kabuki Syndrome. Identifiers: Orphanet 2322, MedGen CN030661, MONDO:0007843, OMIM 147920.

Submission:

Variantyx, Inc.
Classification: Pathogenic for Kabuki syndrome 1. Last evaluated: 2025-09-06. Review status: criteria provided, single submitter. Criteria: Variantyx Assertion Criteria 2022. Collection method: clinical testing. Allele origin: de novo. Inheritance: Autosomal dominant inheritance. Affected: yes.
Comment: This is a nonsense variant in the KMT2D gene (OMIM: 602113). Pathogenic variants in this gene have been associated with autosomal dominant Kabuki syndrome 1. This variant introduces a premature termination codon in exon 40 out of 55 and is expected to result in loss of function, which is a known disease mechanism for KMT2D in this disorder (PMID: 20711175, 21671394, 21607748) (PVS1). This variant is absent from control populations (PM2). Based on the current evidence, this variant is classified as pathogenic for autosomal dominant Kabuki syndrome 1.

Literature cited by the submitters: PubMed 20711175; PubMed 21671394; PubMed 21607748.

NM_003482.4(KMT2D):c.11785C>T (p.Gln3929Ter)

Gene: KMT2D (lysine methyltransferase 2D; minus strand). Cytogenetic location: 12q13.12.
Variant type: single nucleotide variant.
Coding change: c.11785C>T on transcript NM_003482.4 (MANE Select); coding-DNA position 11785, C replaced by T.
Protein change: p.Gln3929Ter; replaces glutamine 3929 with a stop codon.
Molecular consequence: nonsense.
Genome position (GRCh38, 1-based): chr12:49,032,920, G>A on the plus strand (C>T on the coding strand, the complement: KMT2D is on the minus strand). VCF-style: chr12-49032920-G-A. GRCh37 (hg19) VCF-style: chr12-49426703-G-A.
Other names: short protein forms Q3929*.
Identifiers: ClinVar variation 4850172 (VCV004850172.1).
Genomic context (GRCh38, chr12:49,032,920, plus strand): 5'-GAAGCTGTTGCTGCTGCTGTTGTTGAAGCTGCTGCTGCTGTTGCTGCTGTTGAAGCTGTT[G>A]CTGCTGAAGTTGCTGTTGCTGTTGTAGCTGCTGCTGCTGCTGCTGCTGAAGTTGCTGTTG-3'